The following is an entry in ClinVar:

ClinVar aggregate classification (germline): Uncertain significance (1 of 4 stars; one submission).

Submission:

CeGaT Center for Human Genetics Tuebingen
Classification: Uncertain significance. Last evaluated: 2026-05-01. Review status: criteria provided, single submitter. Criteria: CeGaT Center For Human Genetics Tuebingen Variant Classification Criteria Version 2. Collection method: clinical testing. Allele origin: germline. Affected: yes. Observed: 1 variant allele.
Comment: SCN10A: PM2

NM_006514.4(SCN10A):c.3236A>T (p.Asp1079Val)

Genes: SCN10A (sodium voltage-gated channel alpha subunit 10; minus strand), LOC110121288 (VISTA enhancer hs2268; plus strand). Cytogenetic location: 3p22.2.
Variant type: single nucleotide variant.
Coding change: c.3236A>T on transcript NM_006514.4 (MANE Select); coding-DNA position 3236, A replaced by T.
Protein change: p.Asp1079Val; replaces aspartic acid 1079 with valine.
Molecular consequence: missense variant.
Genome position (GRCh38, 1-based): chr3:38,723,546, T>A on the plus strand (A>T on the coding strand, the complement: SCN10A is on the minus strand). VCF-style: chr3-38723546-T-A. GRCh37 (hg19) VCF-style: chr3-38765037-T-A.
Other names: c.3233A>T, p.Asp1078Val (NM_001293306.2); c.2942A>T, p.Asp981Val (NM_001293307.2); short protein forms D1078V, D1079V, D981V.
Identifiers: ClinVar variation 4874970 (VCV004874970.2).
Genomic context (GRCh38, chr3:38,723,546, plus strand): 5'-CTCAGGATTTCCTCAGGATCTAGGCAGTCCACCGTGCTGCCCTCAGAGGAGCTTGTGTCG[T>A]CCACTCCCTGCAGGGGAGAAGCCCAGGGCAGTGAACTCGTCTCTCCGCGGGGCCCGGGGA-3'
Protein context (NP_006505.4, residues 1069-1089): SVPQVPAEGV[Asp1079Val]DTSSSEGSTV